The following is an entry in ClinVar:

ClinVar aggregate classification (germline): Uncertain significance (1 of 4 stars; one submission).

Submission:

GeneDx
Classification: Uncertain significance. Last evaluated: 2025-02-24. Review status: criteria provided, single submitter. Criteria: GeneDx Variant Classification Process June 2021. Collection method: clinical testing. Allele origin: germline. Affected: yes.
Comment: Not observed at significant frequency in large population cohorts (gnomAD); Missense variant in a gene in which most reported pathogenic variants are truncating/loss of function; Has not been previously published as pathogenic or benign to our knowledge

NM_001267550.2(TTN):c.82984G>A (p.Gly27662Ser)

Genes: TTN (titin; minus strand), TTN-AS1 (TTN antisense RNA 1; plus strand). Cytogenetic location: 2q31.2.
Variant type: single nucleotide variant.
Coding change: c.82984G>A on transcript NM_001267550.2 (MANE Select); coding-DNA position 82984, G replaced by A.
Protein change: p.Gly27662Ser; replaces glycine 27662 with serine.
Molecular consequence: missense variant.
Genome position (GRCh38, 1-based): chr2:178,563,148, C>T on the plus strand (G>A on the coding strand, the complement: TTN is on the minus strand). VCF-style: chr2-178563148-C-T. GRCh37 (hg19) VCF-style: chr2-179427875-C-T.
Other names: c.78061G>A, p.Gly26021Ser (NM_001256850.1); c.55789G>A, p.Gly18597Ser (NM_003319.4); c.75280G>A, p.Gly25094Ser (NM_133378.4); c.56164G>A, p.Gly18722Ser (NM_133432.3); c.56365G>A, p.Gly18789Ser (NM_133437.4); short protein forms G18597S, G18722S, G18789S, G25094S, G26021S, G27662S.
Identifiers: ClinVar variation 4076616 (VCV004076616.1).